The following is an entry in ClinVar:

ClinVar aggregate classification (germline): Uncertain significance (1 of 4 stars; one submission).

Submission:

Labcorp Genetics (formerly Invitae), Labcorp
Classification: Uncertain significance. Last evaluated: 2024-11-11. Review status: criteria provided, single submitter. Criteria: Invitae Variant Classification Sherloc (09022015). Collection method: clinical testing. Allele origin: germline.
Comment: This sequence change replaces cysteine, which is neutral and slightly polar, with tyrosine, which is neutral and polar, at codon 309 of the TCIRG1 protein (p.Cys309Tyr). This variant is not present in population databases (gnomAD no frequency). This variant has not been reported in the literature in individuals affected with TCIRG1-related conditions. Invitae Evidence Modeling of protein sequence and biophysical properties (such as structural, functional, and spatial information, amino acid conservation, physicochemical variation, residue mobility, and thermodynamic stability) indicates that this missense variant is expected to disrupt TCIRG1 protein function with a positive predictive value of 80%. In summary, the available evidence is currently insufficient to determine the role of this variant in disease. Therefore, it has been classified as a Variant of Uncertain Significance.

NM_006019.4(TCIRG1):c.926G>A (p.Cys309Tyr)

Gene: TCIRG1 (T cell immune regulator 1, ATPase H+ transporting V0 subunit a3; plus strand). Cytogenetic location: 11q13.2.
Variant type: single nucleotide variant.
Coding change: c.926G>A on transcript NM_006019.4 (MANE Select); coding-DNA position 926, G replaced by A.
Protein change: p.Cys309Tyr; replaces cysteine 309 with tyrosine.
Molecular consequence: missense variant.
Genome position (GRCh38, 1-based): chr11:68,044,250, G>A. VCF-style: chr11-68044250-G-A. GRCh37 (hg19) VCF-style: chr11-67811717-G-A.
Other names: c.32G>A, p.Cys11Tyr (NM_001351059.2); c.278G>A, p.Cys93Tyr (NM_006053.4); short protein forms C93Y, C309Y, C11Y.
Identifiers: ClinVar variation 3703631 (VCV003703631.2).
Genomic context (GRCh38, chr11:68,044,250, plus strand): 5'-TGCCGCCAGGGCAGGTGCAGGTCCACAAGATGAAGGCCGTGTACCTGGCCCTGAACCAGT[G>A]CAGCGTGAGCACCACGCACAAGTGCCTCATTGCCGAGGCCTGGTGCTCTGTGCGAGACCT-3'
Protein context (NP_006010.2, residues 299-319): MKAVYLALNQ[Cys309Tyr]SVSTTHKCLI